The following is an entry in ClinVar:

NM_001378418.1(TCF20):c.3267G>A (p.Met1089Ile)

Gene: TCF20 (transcription factor 20; minus strand). Cytogenetic location: 22q13.2.
Variant type: single nucleotide variant.
Coding change: c.3267G>A on transcript NM_001378418.1 (MANE Select); coding-DNA position 3267, G replaced by A.
Protein change: p.Met1089Ile; replaces methionine 1089 with isoleucine.
Molecular consequence: missense variant.
Genome position (GRCh38, 1-based): chr22:42,212,039, C>T on the plus strand (G>A on the coding strand, the complement: TCF20 is on the minus strand). VCF-style: chr22-42212039-C-T. GRCh37 (hg19) VCF-style: chr22-42608045-C-T.
Other names: c.3267G>A, p.Met1089Ile (NM_005650.4, NM_181492.3); short protein forms M1089I.
Identifiers: ClinVar variation 3710492 (VCV003710492.2).

ClinVar aggregate classification (germline): Uncertain significance (1 of 4 stars; one submission).

Submission:

Labcorp Genetics (formerly Invitae), Labcorp
Classification: Uncertain significance. Last evaluated: 2024-10-24. Review status: criteria provided, single submitter. Criteria: Invitae Variant Classification Sherloc (09022015). Collection method: clinical testing. Allele origin: germline.
Comment: This sequence change replaces methionine, which is neutral and non-polar, with isoleucine, which is neutral and non-polar, at codon 1089 of the TCF20 protein (p.Met1089Ile). This variant is present in population databases (rs778794174, gnomAD 0.01%). This variant has not been reported in the literature in individuals affected with TCF20-related conditions. An algorithm developed to predict the effect of missense changes on protein structure and function outputs the following: PolyPhen-2: "Benign". The isoleucine amino acid residue is found in multiple mammalian species, which suggests that this missense change does not adversely affect protein function. In summary, the available evidence is currently insufficient to determine the role of this variant in disease. Therefore, it has been classified as a Variant of Uncertain Significance.